The following is an entry in ClinVar:

ClinVar aggregate classification (germline): Likely benign (1 of 4 stars; one submission).

Allele frequency attached by ClinVar (database versions not stated): gnomAD exomes 0.00018; gnomAD 0.00227; TOPMed 0.00237; 1000 Genomes Project 30x 0.00297; 1000 Genomes Project 0.00339.
gnomAD v4.1: 518 of 985,440 alleles (0.053%); highest among the groups gnomAD compares: African/African-American, 0.76%; 6 homozygotes.

Submission:

CeGaT Center for Human Genetics Tuebingen
Classification: Likely benign. Last evaluated: 2022-12-01. Review status: criteria provided, single submitter. Criteria: CeGaT Center For Human Genetics Tuebingen Variant Classification Criteria Version 2. Collection method: clinical testing. Allele origin: germline. Affected: yes. Observed: 1 variant allele.
Comment: CHSY1: BS2

NM_014918.5(CHSY1):c.817-9142T>C

Gene: CHSY1 (chondroitin sulfate synthase 1; minus strand). Cytogenetic location: 15q26.3.
Variant type: single nucleotide variant.
Coding change: c.817-9142T>C on transcript NM_014918.5 (MANE Select); 9142 bases into the intron before coding-DNA position 817, T replaced by C.
Molecular consequence: intron variant.
Genome position (GRCh38, 1-based): chr15:101,188,122, A>G on the plus strand (T>C on the coding strand, the complement: CHSY1 is on the minus strand). VCF-style: chr15-101188122-A-G. GRCh37 (hg19) VCF-style: chr15-101728327-A-G.
Identifiers: ClinVar variation 2645751 (VCV002645751.24), dbSNP rs138648067, ClinGen allele CA275647291.
Genomic context (GRCh38, chr15:101,188,122, plus strand): 5'-CTCGTTCTTCCTGTTAACTGTTTACATGACTGTCCTTCAGCACGTACACGGTTCAGCCTC[A>G]GCTACAGACCATCACTGCTACAGAGCGACAACTTCCCATTCGGACTTAGGCAGCGTTTCA-3'